The following is an entry in ClinVar:

NM_016277.5(RAB23):c.482-1_486del

Gene: RAB23 (RAB23, member RAS oncogene family; minus strand). Cytogenetic location: 6p12.1.
Variant type: Deletion.
Coding change: c.482-1_486del on transcript NM_016277.5 (MANE Select); the canonical splice acceptor site of the intron before coding-DNA position 482 through coding-DNA position 486, 6 bases deleted (GTTTTT; older notation c.482-1_486delGTTTTT).
Molecular consequence: splice acceptor variant.
Genome position (GRCh38, 1-based): chr6:57,193,930-57,193,935, AAAAAC deleted on the plus strand (GTTTTT on the coding strand, the reverse complement: RAB23 is on the minus strand). VCF-style (leftmost placement, unchanged base first): chr6-57193929-TAAAAAC-T. GRCh37 (hg19) VCF-style: chr6-57058727-TAAAAAC-T.
Other names: c.482-1_486del (NM_001278666.2, NM_001278667.2, NM_001278668.2 and 1 more transcripts).
Identifiers: ClinVar variation 1498654 (VCV001498654.6), dbSNP rs2127997697, ClinGen allele CA2573141094.

ClinVar aggregate classification (germline): Likely pathogenic (1 of 4 stars; one submission).

Conditions:
Carpenter syndrome. Identifiers: Orphanet 65759, MedGen C1275078, MONDO:0019012.

Submission:

Labcorp Genetics (formerly Invitae), Labcorp
Classification: Likely pathogenic for Carpenter syndrome. Last evaluated: 2021-08-07. Review status: criteria provided, single submitter. Criteria: Invitae Variant Classification Sherloc (09022015). Collection method: clinical testing. Allele origin: germline.
Comment: Algorithms developed to predict the effect of sequence changes on RNA splicing suggest that this variant may disrupt the consensus splice site. This variant results in the deletion of part of exon 6 (c.482-1_486del) of the RAB23 gene. It is expected to disrupt RNA splicing. Variants that disrupt the donor or acceptor splice site typically lead to a loss of protein function (PMID: 16199547), and loss-of-function variants in RAB23 are known to be pathogenic (PMID: 17503333, 21412941). This variant is not present in population databases (ExAC no frequency). This variant has not been reported in the literature in individuals affected with RAB23-related conditions. In summary, the currently available evidence indicates that the variant is pathogenic, but additional data are needed to prove that conclusively. Therefore, this variant has been classified as Likely Pathogenic.

Literature cited by the submitters: PubMed 16199547; PubMed 17503333; PubMed 21412941.